The following is an entry in ClinVar:

ClinVar aggregate classification (germline): Uncertain significance (1 of 4 stars; one submission).

Conditions:
EGFR-related lung cancer (EGFR). Identifiers: MedGen CN130014.

Submission:

Labcorp Genetics (formerly Invitae), Labcorp
Classification: Uncertain significance for EGFR-related lung cancer. Last evaluated: 2022-12-15. Review status: criteria provided, single submitter. Criteria: Invitae Variant Classification Sherloc (09022015). Collection method: clinical testing. Allele origin: germline.
Comment: This sequence change replaces serine, which is neutral and polar, with isoleucine, which is neutral and non-polar, at codon 151 of the EGFR protein (p.Ser151Ile). In summary, the available evidence is currently insufficient to determine the role of this variant in disease. Therefore, it has been classified as a Variant of Uncertain Significance. Algorithms developed to predict the effect of missense changes on protein structure and function are either unavailable or do not agree on the potential impact of this missense change (SIFT: "Tolerated"; PolyPhen-2: "Possibly Damaging"; Align-GVGD: "Class C0"). This variant has not been reported in the literature in individuals affected with EGFR-related conditions. This variant is not present in population databases (gnomAD no frequency).

NM_005228.5(EGFR):c.452G>T (p.Ser151Ile)

Gene: EGFR (epidermal growth factor receptor; plus strand). Cytogenetic location: 7p11.2.
Variant type: single nucleotide variant.
Coding change: c.452G>T on transcript NM_005228.5 (MANE Select); coding-DNA position 452, G replaced by T.
Protein change: p.Ser151Ile; replaces serine 151 with isoleucine.
Molecular consequence: missense variant. On other transcripts: intron variant (3).
Genome position (GRCh38, 1-based): chr7:55,146,633, G>T. VCF-style: chr7-55146633-G-T. GRCh37 (hg19) VCF-style: chr7-55214326-G-T.
Other names: c.452G>T, p.Ser151Ile (NM_001346898.2, NM_201282.2, NM_201283.2 and 1 more transcripts); c.293G>T, p.Ser98Ile (NM_001346900.2); c.424+3145G>T (NM_001346899.2, NM_001346897.2); c.89-9197G>T (NM_001346941.2); short protein forms S98I, S151I.
Identifiers: ClinVar variation 2804110 (VCV002804110.3), dbSNP rs1023675360, ClinGen allele CA367576515.